The following is an entry in ClinVar:

ClinVar aggregate classification (germline): Benign. Review status: criteria provided, multiple submitters, no conflicts (2 of 4 stars). 3 submissions from 3 submitters: Benign (3). Last evaluated 2026-07-01.

Conditions:
RNF213-related disorder. Also called: RNF213-related condition.

Allele frequency attached by ClinVar (database versions not stated): TOPMed 0.00012; ESP Exome Variant Server 0.00015; gnomAD 0.00039; gnomAD exomes 0.00081; 1000 Genomes Project 30x 0.00141; 1000 Genomes Project 0.00160; ExAC 0.00190.
gnomAD v4.1: 1,239 of 1,607,612 alleles (0.077%); highest among the groups gnomAD compares: South Asian, 1.3%; 24 homozygotes.

Submissions (3):

CeGaT Center for Human Genetics Tuebingen
Classification: Benign. Last evaluated: 2026-07-01. Review status: criteria provided, single submitter. Criteria: CeGaT Center For Human Genetics Tuebingen Variant Classification Criteria Version 2. Collection method: clinical testing. Allele origin: germline. Affected: yes. Observed: 1 variant allele.
Comment: RNF213: BP4, BP7, BS1, BS2

PreventionGenetics, part of Exact Sciences
Classification: Benign for RNF213-related condition. Last evaluated: 2026-03-04. Review status: criteria provided, single submitter. Criteria: ACMG Guidelines, 2015. Collection method: clinical testing. Allele origin: germline.
Comment: This variant is classified as benign based on ACMG/AMP sequence variant interpretation guidelines (Richards et al. 2015 PMID: 25741868, with internal and published modifications).

Labcorp Genetics (formerly Invitae), Labcorp
Classification: Benign. Last evaluated: 2023-02-03. Review status: criteria provided, single submitter. Criteria: Invitae Variant Classification Sherloc (09022015). Collection method: clinical testing. Allele origin: germline.

NM_001256071.3(RNF213):c.13179G>A (p.Thr4393=)

Genes: RNF213 (ring finger protein 213; plus strand), RNF213-AS1 (RNF213 antisense RNA 1; minus strand). Cytogenetic location: 17q25.3.
Variant type: single nucleotide variant.
Coding change: c.13179G>A on transcript NM_001256071.3 (MANE Select); coding-DNA position 13179, G replaced by A.
Protein change: p.Thr4393=; no amino-acid change (threonine 4393 retained).
Molecular consequence: synonymous variant.
Genome position (GRCh38, 1-based): chr17:80,375,864, G>A. VCF-style: chr17-80375864-G-A. GRCh37 (hg19) VCF-style: chr17-78349664-G-A.
Other names: c.13326G>A, p.Thr4442= (NM_001410195.1, NM_020914.5); c.13179G>A (NM_001256071.2).
Identifiers: ClinVar variation 2077441 (VCV002077441.6), dbSNP rs371433961, ClinGen allele CA8822466.